The following is an entry in ClinVar:

ClinVar aggregate classification (germline): Likely benign (1 of 4 stars; one submission).

Submission:

GeneDx
Classification: Likely benign. Last evaluated: 2021-11-26. Review status: criteria provided, single submitter. Criteria: GeneDx Variant Classification Process June 2021. Collection method: clinical testing. Allele origin: germline. Affected: yes.
Comment: See Variant Classification Assertion Criteria.

NM_002979.5(SCP2):c.70-48_70-47dup

Gene: SCP2 (sterol carrier protein 2; plus strand). Cytogenetic location: 1p32.3.
Variant type: Duplication.
Coding change: c.70-48_70-47dup on transcript NM_002979.5 (MANE Select); 48 bases into the intron before coding-DNA position 70 through 47 bases into the intron before coding-DNA position 70, 2 bases duplicated (AA; older notation c.70-48_70-47dupAA).
Molecular consequence: intron variant.
Genome position (GRCh38, 1-based): chr1:52,941,748-52,941,749, AA duplicated; duplicating any 2 consecutive bases within chr1:52,941,735-52,941,749 gives the same sequence; the c. name uses the placement nearest the transcript's 3' end. VCF-style (leftmost placement, unchanged base first): chr1-52941734-C-CAA. GRCh37 (hg19) VCF-style: chr1-53407406-C-CAA.
Other names: c.70-48_70-47dup (NM_001193600.2, NM_001193599.2, NM_001330587.2 and 1 more transcripts); c.-116-6261_-116-6260dup (NM_001193617.2).
Identifiers: ClinVar variation 1687664 (VCV001687664.2), dbSNP rs143386725, ClinGen allele CA417632375.